The following is an entry in ClinVar:

ClinVar aggregate classification (germline): Likely benign. Review status: criteria provided, multiple submitters, no conflicts (2 of 4 stars). 3 submissions from 3 submitters: Likely benign (2). 1 of the submissions does not count toward it. Last evaluated 2025-11-03.

Conditions:
CDH3-related disorder. Also called: CDH3-related condition.

Allele frequency attached by ClinVar (database versions not stated): gnomAD exomes 0.00005 and 0.00013; ExAC 0.00021; TOPMed 0.00040; gnomAD 0.00044 and 0.00046; ESP Exome Variant Server 0.00054; 1000 Genomes Project 0.00100; 1000 Genomes Project 30x 0.00125.
gnomAD v4.1: 146 of 1,612,738 alleles (0.0091%); highest among the groups gnomAD compares: African/African-American, 0.19%; no homozygotes.

Submissions (3):

Labcorp Genetics (formerly Invitae), Labcorp
Classification: Likely benign. Last evaluated: 2025-11-03. Review status: criteria provided, single submitter. Criteria: Invitae Variant Classification Sherloc (09022015). Collection method: clinical testing. Allele origin: germline.

Blueprint Genetics
Classification: Likely benign. Last evaluated: 2024-06-24. Review status: criteria provided, single submitter. Criteria: ACMG Guidelines, 2015. Collection method: clinical testing. Allele origin: germline.

PreventionGenetics, part of Exact Sciences
Classification: Likely benign for CDH3-related condition. Last evaluated: 2019-10-28. Review status: no assertion criteria provided. Collection method: clinical testing. Allele origin: germline. Not counted in ClinVar's aggregate classification.
Comment: This variant is classified as likely benign based on ACMG/AMP sequence variant interpretation guidelines (Richards et al. 2015 PMID: 25741868, with internal and published modifications).

NM_001793.6(CDH3):c.708G>A (p.Gln236=)

Gene: CDH3 (cadherin 3; plus strand). Cytogenetic location: 16q22.1.
Variant type: single nucleotide variant.
Coding change: c.708G>A on transcript NM_001793.6 (MANE Select); coding-DNA position 708, G replaced by A.
Protein change: p.Gln236=; no amino-acid change (glutamine 236 retained).
Molecular consequence: synonymous variant.
Genome position (GRCh38, 1-based): chr16:68,679,815, G>A. VCF-style: chr16-68679815-G-A. GRCh37 (hg19) VCF-style: chr16-68713718-G-A.
Other names: c.708G>A, p.Gln236= (NM_001317195.3); c.543G>A, p.Gln181= (NM_001317196.2); c.708G>A (NM_001793.5).
Identifiers: ClinVar variation 1102697 (VCV001102697.12), dbSNP rs138461499, ClinGen allele CA8129129.